The following is an entry in ClinVar:

NM_002900.3(RBP3):c.1718T>C (p.Leu573Pro)

Gene: RBP3 (retinol binding protein 3; plus strand). Cytogenetic location: 10q11.22.
Variant type: single nucleotide variant.
Coding change: c.1718T>C on transcript NM_002900.3 (MANE Select); coding-DNA position 1718, T replaced by C.
Protein change: p.Leu573Pro; replaces leucine 573 with proline.
Molecular consequence: missense variant.
Genome position (GRCh38, 1-based): chr10:47,350,202, T>C. VCF-style: chr10-47350202-T-C. GRCh37 (hg19) VCF-style: chr10-48389160-A-G.
Other names: short protein forms L573P.
Identifiers: ClinVar variation 2086734 (VCV002086734.3), dbSNP rs2549028828, ClinGen allele CA376671380.

ClinVar aggregate classification (germline): Uncertain significance (1 of 4 stars; one submission).

Allele frequency attached by ClinVar (database versions not stated): gnomAD exomes below 0.00001.
gnomAD v4.1: 2 of 1,610,456 alleles (0.00012%); highest among the groups gnomAD compares: East Asian, 0.0022%; no homozygotes.

Submission:

Labcorp Genetics (formerly Invitae), Labcorp
Classification: Uncertain significance. Last evaluated: 2022-07-26. Review status: criteria provided, single submitter. Criteria: Invitae Variant Classification Sherloc (09022015). Collection method: clinical testing. Allele origin: germline.
Comment: In summary, the available evidence is currently insufficient to determine the role of this variant in disease. Therefore, it has been classified as a Variant of Uncertain Significance. Algorithms developed to predict the effect of missense changes on protein structure and function output the following: SIFT: "Deleterious"; PolyPhen-2: "Probably Damaging"; Align-GVGD: "Class C0". The proline amino acid residue is found in multiple mammalian species, which suggests that this missense change does not adversely affect protein function. This variant has not been reported in the literature in individuals affected with RBP3-related conditions. This variant is not present in population databases (gnomAD no frequency). This sequence change replaces leucine, which is neutral and non-polar, with proline, which is neutral and non-polar, at codon 573 of the RBP3 protein (p.Leu573Pro).